The following is an entry in ClinVar:

ClinVar aggregate classification (germline): Uncertain significance (1 of 4 stars; one submission).

gnomAD v4.1: 1 of 1,614,178 alleles (0.000062%); highest among the groups gnomAD compares: Non-Finnish European, 0.000085%; no homozygotes.

Submission:

Labcorp Genetics (formerly Invitae), Labcorp
Classification: Uncertain significance. Last evaluated: 2021-10-09. Review status: criteria provided, single submitter. Criteria: Invitae Variant Classification Sherloc (09022015). Collection method: clinical testing. Allele origin: germline.
Comment: In summary, the available evidence is currently insufficient to determine the role of this variant in disease. Therefore, it has been classified as a Variant of Uncertain Significance. Algorithms developed to predict the effect of missense changes on protein structure and function are either unavailable or do not agree on the potential impact of this missense change (SIFT: "Deleterious"; PolyPhen-2: "Probably Damaging"; Align-GVGD: "Class C0"). This variant has not been reported in the literature in individuals affected with FBLN5-related conditions. This variant is not present in population databases (ExAC no frequency). This sequence change replaces aspartic acid with glycine at codon 419 of the FBLN5 protein (p.Asp419Gly). The aspartic acid residue is highly conserved and there is a moderate physicochemical difference between aspartic acid and glycine.

NM_006329.4(FBLN5):c.1256A>G (p.Asp419Gly)

Gene: FBLN5 (fibulin 5; minus strand). Cytogenetic location: 14q32.12.
Variant type: single nucleotide variant.
Coding change: c.1256A>G on transcript NM_006329.4 (MANE Select); coding-DNA position 1256, A replaced by G.
Protein change: p.Asp419Gly; replaces aspartic acid 419 with glycine.
Molecular consequence: missense variant. On other transcripts: 3 prime UTR variant (2).
Genome position (GRCh38, 1-based): chr14:91,870,315, T>C on the plus strand (A>G on the coding strand, the complement: FBLN5 is on the minus strand). VCF-style: chr14-91870315-T-C. GRCh37 (hg19) VCF-style: chr14-92336659-T-C.
Other names: c.1379A>G, p.Asp460Gly (NM_001384158.1); c.1307A>G, p.Asp436Gly (NM_001384159.1); c.*40A>G (NM_001384160.1, NM_001384161.1); c.1088A>G, p.Asp363Gly (NM_001384162.1); short protein forms D419G, D363G, D436G, D460G.
Identifiers: ClinVar variation 1385632 (VCV001385632.6), dbSNP rs2139936794, ClinGen allele CA390639291.